The following is an entry in ClinVar:

NM_000489.6(ATRX):c.1117T>C (p.Phe373Leu)

Gene: ATRX (ATRX chromatin remodeler; minus strand). Cytogenetic location: Xq21.1.
Variant type: single nucleotide variant.
Coding change: c.1117T>C on transcript NM_000489.6 (MANE Select); coding-DNA position 1117, T replaced by C.
Protein change: p.Phe373Leu; replaces phenylalanine 373 with leucine.
Molecular consequence: missense variant.
Genome position (GRCh38, 1-based): chrX:77,684,139, A>G on the plus strand (T>C on the coding strand, the complement: ATRX is on the minus strand). VCF-style: chrX-77684139-A-G. GRCh37 (hg19) VCF-style: chrX-76939631-A-G.
Other names: c.1003T>C, p.Phe335Leu (NM_138270.5); short protein forms F335L, F373L.
Identifiers: ClinVar variation 2444818 (VCV002444818.1), dbSNP rs782428493, ClinGen allele CA331569060.

ClinVar aggregate classification (germline): Uncertain significance (1 of 4 stars; one submission).

Submission:

GeneDx
Classification: Uncertain significance. Last evaluated: 2022-09-19. Review status: criteria provided, single submitter. Criteria: GeneDx Variant Classification Process June 2021. Collection method: clinical testing. Allele origin: germline. Affected: yes.
Comment: Not observed at significant frequency in large population cohorts (gnomAD); In silico analysis supports that this missense variant has a deleterious effect on protein structure/function; Has not been previously published as pathogenic or benign to our knowledge